The following is an entry in ClinVar:

NM_173630.4(RTTN):c.3372C>T (p.Thr1124=)

Gene: RTTN (rotatin; minus strand). Cytogenetic location: 18q22.2.
Variant type: single nucleotide variant.
Coding change: c.3372C>T on transcript NM_173630.4 (MANE Select); coding-DNA position 3372, C replaced by T.
Protein change: p.Thr1124=; no amino-acid change (threonine 1124 retained).
Molecular consequence: synonymous variant.
Genome position (GRCh38, 1-based): chr18:70,127,513, G>A on the plus strand (C>T on the coding strand, the complement: RTTN is on the minus strand). VCF-style: chr18-70127513-G-A. GRCh37 (hg19) VCF-style: chr18-67794749-G-A.
Other names: c.636C>T, p.Thr212= (NM_001318520.2).
Identifiers: ClinVar variation 4872195 (VCV004872195.2).

ClinVar aggregate classification (germline): Likely benign (1 of 4 stars; one submission).

gnomAD v4.1: 20 of 1,613,162 alleles (0.0012%); highest among the groups gnomAD compares: Middle Eastern, 0.017%; no homozygotes.

Submission:

CeGaT Center for Human Genetics Tuebingen
Classification: Likely benign. Last evaluated: 2026-06-01. Review status: criteria provided, single submitter. Criteria: CeGaT Center For Human Genetics Tuebingen Variant Classification Criteria Version 2. Collection method: clinical testing. Allele origin: germline. Affected: yes. Observed: 1 variant allele.
Comment: RTTN: BP4, BP7